The following is an entry in ClinVar:

NM_001174147.2(LMX1B):c.801del (p.Gln268fs)

Gene: LMX1B (LIM homeobox transcription factor 1 beta; plus strand). Cytogenetic location: 9q33.3.
Variant type: Deletion.
Coding change: c.801del on transcript NM_001174147.2 (MANE Select); coding-DNA position 801, one base deleted (T; older notation c.801delT).
Protein change: p.Gln268fs; shifts the reading frame from glutamine 268.
Molecular consequence: frameshift variant.
Genome position (GRCh38, 1-based): chr9:126,693,583, T deleted; the last of 3 consecutive T bases (chr9:126,693,581-126,693,583); deleting any one gives the same sequence. VCF-style (leftmost placement, unchanged base first): chr9-126693580-GT-G. GRCh37 (hg19) VCF-style: chr9-129455859-GT-G.
Other names: c.801del, p.Gln268fs (NM_001174146.2, NM_002316.4); short protein forms Q268fs.
Identifiers: ClinVar variation 2744667 (VCV002744667.3), dbSNP rs2490689232, ClinGen allele CA2697558045.

ClinVar aggregate classification (germline): Pathogenic (1 of 4 stars; one submission).

Submission:

Labcorp Genetics (formerly Invitae), Labcorp
Classification: Pathogenic. Last evaluated: 2023-07-18. Review status: criteria provided, single submitter. Criteria: Invitae Variant Classification Sherloc (09022015). Collection method: clinical testing. Allele origin: germline.
Comment: For these reasons, this variant has been classified as Pathogenic. This sequence change creates a premature translational stop signal (p.Gln268Argfs*7) in the LMX1B gene. It is expected to result in an absent or disrupted protein product. Loss-of-function variants in LMX1B are known to be pathogenic (PMID: 9590287, 15498463). This variant is not present in population databases (gnomAD no frequency). This variant has not been reported in the literature in individuals affected with LMX1B-related conditions.

Literature cited by the submitters: PubMed 9590287; PubMed 15498463.